The following is an entry in ClinVar:

NM_000243.3(MEFV):c.1218C>T (p.Gly406=)

Gene: MEFV (MEFV innate immunity regulator, pyrin; minus strand). Cytogenetic location: 16p13.3.
Variant type: single nucleotide variant.
Coding change: c.1218C>T on transcript NM_000243.3 (MANE Select); coding-DNA position 1218, C replaced by T.
Protein change: p.Gly406=; no amino-acid change (glycine 406 retained).
Molecular consequence: synonymous variant.
Genome position (GRCh38, 1-based): chr16:3,249,473, G>A on the plus strand (C>T on the coding strand, the complement: MEFV is on the minus strand). VCF-style: chr16-3249473-G-A. GRCh37 (hg19) VCF-style: chr16-3299473-G-A.
Other names: c.585C>T, p.Gly195= (NM_001198536.2).
Identifiers: ClinVar variation 1675610 (VCV001675610.33), dbSNP rs747665992, ClinGen allele CA7860215.

ClinVar aggregate classification (germline): Likely benign (1 of 4 stars; one submission).

Allele frequency attached by ClinVar (database versions not stated): gnomAD exomes 0.00001; TOPMed 0.00001; ExAC 0.00001.
gnomAD v4.1: 3 of 1,614,094 alleles (0.00019%); highest among the groups gnomAD compares: East Asian, 0.0067%; no homozygotes.

Submission:

CeGaT Center for Human Genetics Tuebingen
Classification: Likely benign. Last evaluated: 2022-03-01. Review status: criteria provided, single submitter. Criteria: CeGaT Center For Human Genetics Tuebingen Variant Classification Criteria Version 2. Collection method: clinical testing. Allele origin: germline. Affected: yes. Observed: 1 variant allele.
Comment: MEFV: BP4, BP7